The following is an entry in ClinVar:

ClinVar aggregate classification (germline): Uncertain significance. Review status: criteria provided, multiple submitters, no conflicts (2 of 4 stars). 2 submissions from 2 submitters: Uncertain significance (2). Last evaluated 2024-05-07.

Conditions:
STAT3 gain of function. Identifiers: MedGen C4288261.
Hyper-IgE recurrent infection syndrome 1, autosomal dominant. Also called: HYPER-IgE SYNDROME 1, AUTOSOMAL DOMINANT, WITH RECURRENT INFECTIONS; Job's Syndrome; STAT3 Hyper IgE Syndrome; JOB SYNDROME; Hyper-IgE recurrent infection syndrome 1. Identifiers: Orphanet 2314, MedGen C2936739, MONDO:0007818, OMIM 147060.

Allele frequency attached by ClinVar (database versions not stated): gnomAD exomes below 0.00001.
gnomAD v4.1: 2 of 1,614,180 alleles (0.00012%); highest among the groups gnomAD compares: Admixed American, 0.0033%; no homozygotes.

Submissions (2):

Blueprint Genetics
Classification: Uncertain significance. Last evaluated: 2024-05-07. Review status: criteria provided, single submitter. Criteria: ACMG Guidelines, 2015. Collection method: clinical testing. Allele origin: germline.

Labcorp Genetics (formerly Invitae), Labcorp
Classification: Uncertain significance for STAT3 gain of function; Hyper-IgE recurrent infection syndrome 1, autosomal dominant. Last evaluated: 2022-10-27. Review status: criteria provided, single submitter. Criteria: Invitae Variant Classification Sherloc (09022015). Collection method: clinical testing. Allele origin: germline.
Comment: This sequence change replaces methionine, which is neutral and non-polar, with valine, which is neutral and non-polar, at codon 482 of the STAT3 protein (p.Met482Val). This variant is present in population databases (no rsID available, gnomAD 0.003%). This variant has not been reported in the literature in individuals affected with STAT3-related conditions. Advanced modeling of protein sequence and biophysical properties (such as structural, functional, and spatial information, amino acid conservation, physicochemical variation, residue mobility, and thermodynamic stability) performed at Invitae indicates that this missense variant is not expected to disrupt STAT3 protein function. In summary, the available evidence is currently insufficient to determine the role of this variant in disease. Therefore, it has been classified as a Variant of Uncertain Significance.

NM_139276.3(STAT3):c.1444A>G (p.Met482Val)

Gene: STAT3 (signal transducer and activator of transcription 3; minus strand). Cytogenetic location: 17q21.2.
Variant type: single nucleotide variant.
Coding change: c.1444A>G on transcript NM_139276.3 (MANE Select); coding-DNA position 1444, A replaced by G.
Protein change: p.Met482Val; replaces methionine 482 with valine.
Molecular consequence: missense variant.
Genome position (GRCh38, 1-based): chr17:42,324,983, T>C on the plus strand (A>G on the coding strand, the complement: STAT3 is on the minus strand). VCF-style: chr17-42324983-T-C. GRCh37 (hg19) VCF-style: chr17-40477001-T-C.
Other names: c.1444A>G, p.Met482Val (NM_001369512.1, NM_001369513.1, NM_001369514.1 and 11 more transcripts); c.1360A>G, p.Met454Val (NM_001384984.1); c.1366A>G, p.Met456Val (NM_001384985.1); c.1459A>G, p.Met487Val (NM_001384986.1, NM_001384990.1); c.1348A>G, p.Met450Val (NM_001384989.1); c.1384A>G, p.Met462Val (NM_001384992.1); short protein forms M450V, M454V, M456V, M462V, M482V, M487V.
Identifiers: ClinVar variation 2924305 (VCV002924305.4), dbSNP rs1311415179, ClinGen allele CA399587093.